The following is an entry in ClinVar:

NM_000548.5(TSC2):c.2794A>G (p.Ser932Gly)

Gene: TSC2 (TSC complex subunit 2; plus strand). Cytogenetic location: 16p13.3.
Variant type: single nucleotide variant.
Coding change: c.2794A>G on transcript NM_000548.5 (MANE Select); coding-DNA position 2794, A replaced by G.
Protein change: p.Ser932Gly; replaces serine 932 with glycine.
Molecular consequence: missense variant. On other transcripts: non-coding transcript variant (5).
Genome position (GRCh38, 1-based): chr16:2,076,542, A>G. VCF-style: chr16-2076542-A-G. GRCh37 (hg19) VCF-style: chr16-2126543-A-G.
Other names: c.2194A>G, p.Ser732Gly (NM_001406684.1, NM_001406685.1, NM_001406686.1 and 6 more transcripts); c.1450A>G, p.Ser484Gly (NM_001406689.1, NM_001406690.1, NM_001406691.1 and 6 more transcripts); c.1192A>G, p.Ser398Gly (NM_001406698.1); c.2794A>G, p.Ser932Gly (NM_021055.3, NM_001077183.3, NM_001114382.3 and 6 more transcripts); c.2683A>G, p.Ser895Gly (NM_001318827.2, NM_001406670.1, NM_001406678.1); c.2647A>G, p.Ser883Gly (NM_001318829.2, NM_001406675.1, NM_001406676.1 and 1 more transcripts); c.2827A>G, p.Ser943Gly (NM_001318832.2); c.2884A>G, p.Ser962Gly (NM_001406667.1, NM_001406668.1); and 3 more; short protein forms S962G, S398G, S883G, S484G, S778G, S932G, S943G, S732G.
Identifiers: ClinVar variation 2832741 (VCV002832741.4), dbSNP rs2543931328, ClinGen allele CA394280040.

ClinVar aggregate classification (germline): Uncertain significance. Review status: criteria provided, multiple submitters, no conflicts (2 of 4 stars). 2 submissions from 2 submitters: Uncertain significance (2). Last evaluated 2023-12-07.

Conditions:
Tuberous sclerosis 2 (TSC2). Identifiers: Orphanet 805, MedGen C1860707, MONDO:0013199, OMIM 613254.
Hereditary cancer-predisposing syndrome. Also called: Neoplastic Syndromes, Hereditary; Tumor predisposition; Hereditary Cancer Syndrome; Hereditary neoplastic syndrome. Identifiers: Orphanet 140162, MedGen C0027672, MeSH D009386, MONDO:0015356.

Submissions (2):

Ambry Genetics
Classification: Uncertain significance for Hereditary cancer-predisposing syndrome. Last evaluated: 2023-12-07. Review status: criteria provided, single submitter. Criteria: Ambry Variant Classification Scheme 2023. Collection method: clinical testing. Allele origin: germline.
Comment: The p.S932G variant (also known as c.2794A>G), located in coding exon 24 of the TSC2 gene, results from an A to G substitution at nucleotide position 2794. The serine at codon 932 is replaced by glycine, an amino acid with similar properties. This amino acid position is conserved. In addition, this alteration is predicted to be deleterious by in silico analysis. Since supporting evidence is limited at this time, the clinical significance of this alteration remains unclear.

Labcorp Genetics (formerly Invitae), Labcorp
Classification: Uncertain significance for Tuberous sclerosis 2. Last evaluated: 2023-01-29. Review status: criteria provided, single submitter. Criteria: Invitae Variant Classification Sherloc (09022015). Collection method: clinical testing. Allele origin: germline.
Comment: In summary, the available evidence is currently insufficient to determine the role of this variant in disease. Therefore, it has been classified as a Variant of Uncertain Significance. Advanced modeling of protein sequence and biophysical properties (such as structural, functional, and spatial information, amino acid conservation, physicochemical variation, residue mobility, and thermodynamic stability) performed at Invitae indicates that this missense variant is not expected to disrupt TSC2 protein function. This variant has not been reported in the literature in individuals affected with TSC2-related conditions. This variant is not present in population databases (gnomAD no frequency). This sequence change replaces serine, which is neutral and polar, with glycine, which is neutral and non-polar, at codon 932 of the TSC2 protein (p.Ser932Gly).